The following is an entry in ClinVar:

NM_024596.5(MCPH1):c.2341C>T (p.Leu781=)

Genes: MCPH1 (microcephalin 1; plus strand), MCPH1-AS1 (MCPH1 antisense RNA 1; minus strand). Cytogenetic location: 8p23.1.
Variant type: single nucleotide variant.
Coding change: c.2341C>T on transcript NM_024596.5 (MANE Select); coding-DNA position 2341, C replaced by T.
Protein change: p.Leu781=; no amino-acid change (leucine 781 retained).
Molecular consequence: synonymous variant. On other transcripts: non-coding transcript variant (1).
Genome position (GRCh38, 1-based): chr8:6,621,580, C>T. VCF-style: chr8-6621580-C-T. GRCh37 (hg19) VCF-style: chr8-6479101-C-T.
Other names: c.2341C>T, p.Leu781= (NM_001322042.2, NM_001363979.1); c.2062C>T, p.Leu688= (NM_001363980.2); c.2341C>T (NM_001322042.1).
Identifiers: ClinVar variation 1457265 (VCV001457265.10), dbSNP rs577592270, ClinGen allele CA4611502.

ClinVar aggregate classification (germline): Likely benign. Review status: criteria provided, single submitter (1 of 4 stars). 2 submissions from 2 submitters: Likely benign (1). 1 of the submissions does not count toward it. Last evaluated 2025-01-30.

Conditions:
MCPH1-related disorder. Also called: MCPH1-related condition.

Allele frequency attached by ClinVar (database versions not stated): gnomAD exomes below 0.00001; TOPMed below 0.00001; ExAC 0.00001; gnomAD 0.00001; 1000 Genomes Project 30x 0.00016; 1000 Genomes Project 0.00020.

Submissions (2):

Labcorp Genetics (formerly Invitae), Labcorp
Classification: Likely benign. Last evaluated: 2025-01-30. Review status: criteria provided, single submitter. Criteria: Invitae Variant Classification Sherloc (09022015). Collection method: clinical testing. Allele origin: germline.

PreventionGenetics, part of Exact Sciences
Classification: Likely benign for MCPH1-related condition. Last evaluated: 2019-10-28. Review status: no assertion criteria provided. Collection method: clinical testing. Allele origin: germline. Not counted in ClinVar's aggregate classification.
Comment: This variant is classified as likely benign based on ACMG/AMP sequence variant interpretation guidelines (Richards et al. 2015 PMID: 25741868, with internal and published modifications).